The following is an entry in ClinVar:

ClinVar aggregate classification (germline): Uncertain significance. Review status: criteria provided, single submitter (1 of 4 stars). 2 submissions from 2 submitters: Uncertain significance (1). 1 of the submissions does not count toward it. Last evaluated 2021-09-01.

Conditions:
Hereditary spastic paraplegia 49 (HSAN9). Also called: Spastic paraplegia 49, autosomal recessive; NEUROPATHY, HEREDITARY SENSORY AND AUTONOMIC, TYPE IX, WITH DEVELOPMENTAL DELAY; TECPR2-Related Hereditary Sensory and Autonomic Neuropathy with Intellectual Disability. Identifiers: Orphanet 320385, MedGen C5190860, MONDO:0014016, OMIM 615031.

Allele frequency attached by ClinVar (database versions not stated): ExAC 0.00001; gnomAD 0.00006; TOPMed 0.00007.
gnomAD v4.1: 11 of 1,612,796 alleles (0.00068%); highest among the groups gnomAD compares: African/African-American, 0.013%; no homozygotes.

Submissions (2):

Labcorp Genetics (formerly Invitae), Labcorp
Classification: Uncertain significance for Hereditary spastic paraplegia 49. Last evaluated: 2021-09-01. Review status: criteria provided, single submitter. Criteria: Invitae Variant Classification Sherloc (09022015). Collection method: clinical testing. Allele origin: germline.
Comment: This sequence change replaces proline with leucine at codon 439 of the TECPR2 protein (p.Pro439Leu). The proline residue is weakly conserved and there is a moderate physicochemical difference between proline and leucine. This variant is present in population databases (rs754024398, ExAC 0.01%). This variant has not been reported in the literature in individuals affected with TECPR2-related conditions. Algorithms developed to predict the effect of missense changes on protein structure and function output the following: SIFT: "Tolerated"; PolyPhen-2: "Benign"; Align-GVGD: "Class C0". The leucine amino acid residue is found in multiple mammalian species, which suggests that this missense change does not adversely affect protein function. In summary, the available evidence is currently insufficient to determine the role of this variant in disease. Therefore, it has been classified as a Variant of Uncertain Significance.

Natera, Inc.
Classification: Uncertain significance for Autosomal recessive spastic paraplegia type 49. Last evaluated: 2020-09-02. Review status: no assertion criteria provided. Collection method: clinical testing. Allele origin: germline. Not counted in ClinVar's aggregate classification.

NM_014844.5(TECPR2):c.1316C>T (p.Pro439Leu)

Gene: TECPR2 (tectonin beta-propeller repeat containing 2; plus strand). Cytogenetic location: 14q32.31.
Variant type: single nucleotide variant.
Coding change: c.1316C>T on transcript NM_014844.5 (MANE Select); coding-DNA position 1316, C replaced by T.
Protein change: p.Pro439Leu; replaces proline 439 with leucine.
Molecular consequence: missense variant.
Genome position (GRCh38, 1-based): chr14:102,432,027, C>T. VCF-style: chr14-102432027-C-T. GRCh37 (hg19) VCF-style: chr14-102898364-C-T.
Other names: c.1316C>T, p.Pro439Leu (NM_001172631.3); short protein forms P439L.
Identifiers: ClinVar variation 1021017 (VCV001021017.5), dbSNP rs754024398, ClinGen allele CA7357692.
Genomic context (GRCh38, chr14:102,432,027, plus strand): 5'-GCTCCGGGCTCCTGCCCCCTGGGCTCCAGGCCACCCCTGAGCTGGGCAAGGGCAGCCAGC[C>T]CCTGTCACAGAGATTCAACGCCATCAGCTCAGAGGACTTTGACCAGGAGCTTGTCGTGAA-3'
Protein context (NP_055659.2, residues 429-449): ATPELGKGSQ[Pro439Leu]LSQRFNAISS